The following is an entry in ClinVar:

ClinVar aggregate classification (germline): Benign (1 of 4 stars; one submission).

Conditions:
Leigh syndrome (NULS). Also called: Leigh's necrotizing encephalopathy; Leigh's disease; Leigh Syndrome (mtDNA deletion); Leigh Disease; Subacute necrotizing encephalopathy; Necrotizing encephalopathy infantile subacute of Leigh. Identifiers: Orphanet 506, MedGen C2931891, MONDO:0009723, OMIM 256000.

Submission:

Wong Mito Lab, Molecular and Human Genetics, Baylor College of Medicine
Classification: Benign for Leigh syndrome. Last evaluated: 2019-10-17. Review status: criteria provided, single submitter. Criteria: Modified ACMG Guidelines (Unpublished). Collection method: clinical testing. Allele origin: germline.
Comment: The NC_012920.1:m.7679T>C (YP_003024029.1:p.Phe32Leu) variant in MTCO2 gene is interpretated to be a Benign variant based on the modified ACMG guidelines (unpublished). This variant meets the following evidence codes: BS1, BS4, BP4

NC_012920.1(MT-CO2):m.7679T>C

Gene: MT-CO2 (mitochondrially encoded cytochrome c oxidase II; plus strand).
Variant type: single nucleotide variant.
Genome position: chrM-7679-T-C.
Identifiers: ClinVar variation 692759 (VCV000692759.1), dbSNP rs879003775, ClinGen allele CA337097677.